The following is an entry in ClinVar:

NM_000218.3(KCNQ1):c.*731G>A

Genes: KCNQ1 (potassium voltage-gated channel subfamily Q member 1; plus strand), KCNQ1-AS1 (KCNQ1 antisense RNA 1; minus strand). Cytogenetic location: 11p15.4.
Variant type: single nucleotide variant.
Coding change: c.*731G>A on transcript NM_000218.3 (MANE Select); 731 bases downstream of the stop codon, G replaced by A.
Molecular consequence: 3 prime UTR variant.
Genome position (GRCh38, 1-based): chr11:2,848,734, G>A. VCF-style: chr11-2848734-G-A. GRCh37 (hg19) VCF-style: chr11-2869964-G-A.
Other names: c.*731G>A (NM_001406836.1, NM_001406837.1, NM_001406838.1 and 2 more transcripts).
Identifiers: ClinVar variation 304258 (VCV000304258.39), dbSNP rs146324627, ClinGen allele CA040199.
Genomic context (GRCh38, chr11:2,848,734, plus strand): 5'-ACTGCCAGCTCTTCCTAGCTGGAGAGGAGCCCTGCCTCTCCGCCCCTGAGCCCACTGTGC[G>A]TGGGGCTCCCGCCTCCAACCCCTCGCCCAGTCCCAGCAGCCAGCCAAACACACAGAAGGG-3'

ClinVar aggregate classification (germline): Benign/Likely benign. Review status: criteria provided, multiple submitters, no conflicts (2 of 4 stars). 6 submissions from 3 submitters: Benign (1); Likely benign (5). Last evaluated 2023-03-01.

Conditions:
Atrial fibrillation, familial, 3 (ATFB3). Identifiers: MedGen C1837014, MONDO:0011857, OMIM 607554.
Short QT syndrome type 2. Identifiers: Orphanet 51083, MedGen C1865019, MONDO:0012313, OMIM 609621.
Long QT syndrome 1 (LQT1). Identifiers: Orphanet 101016, Orphanet 768, MedGen C4551647, MONDO:0100316, OMIM 192500, MONDO:0008646.
Jervell and Lange-Nielsen syndrome 1 (JLNS1). Also called: PROLONGED QT INTERVAL IN EKG AND SUDDEN DEATH; CARDIOAUDITORY SYNDROME OF JERVELL AND LANGE-NIELSEN; DEAFNESS, CONGENITAL, AND FUNCTIONAL HEART DISEASE; SURDO-CARDIAC SYNDROME. Identifiers: Orphanet 768, Orphanet 90647, MedGen C4551509, MONDO:0024540, OMIM 220400.

Allele frequency attached by ClinVar (database versions not stated): 1000 Genomes Project 30x 0.00219; 1000 Genomes Project 0.00220; gnomAD 0.00335; ExAC 0.00409; TOPMed 0.00415; gnomAD exomes 0.00448.
gnomAD v4.1: 2,128 of 453,918 alleles (0.47%); highest among the groups gnomAD compares: Non-Finnish European, 0.66%; 5 homozygotes.

Submissions (6):

CeGaT Center for Human Genetics Tuebingen
Classification: Likely benign. Last evaluated: 2023-03-01. Review status: criteria provided, single submitter. Criteria: CeGaT Center For Human Genetics Tuebingen Variant Classification Criteria Version 2. Collection method: clinical testing. Allele origin: germline. Affected: yes. Observed: 10 variant alleles.
Comment: KCNQ1: BS2

Illumina Laboratory Services, Illumina
Classification: Likely benign for Long QT syndrome 1. Last evaluated: 2018-01-13. Review status: criteria provided, single submitter. Criteria: ICSL Variant Classification Criteria 13 December 2019. Collection method: clinical testing. Allele origin: germline.
Comment: This variant was observed in the ICSL laboratory as part of a predisposition screen in an ostensibly healthy population. It had not been previously curated by ICSL or reported in the Human Gene Mutation Database (HGMD: prior to June 1st, 2018), and was therefore a candidate for classification through an automated scoring system. Utilizing variant allele frequency, disease prevalence and penetrance estimates, and inheritance mode, an automated score was calculated to assess if this variant is too frequent to cause the disease. Based on the score and internal cut-off values, a variant classified as likely benign is not then subjected to further curation. The score for this variant resulted in a classification of likely benign for this disease.

Illumina Laboratory Services, Illumina
Classification: Benign for Short QT syndrome type 2. Last evaluated: 2018-01-13. Review status: criteria provided, single submitter. Criteria: ICSL Variant Classification Criteria 13 December 2019. Collection method: clinical testing. Allele origin: germline.
Comment: This variant was observed in the ICSL laboratory as part of a predisposition screen in an ostensibly healthy population. It had not been previously curated by ICSL or reported in the Human Gene Mutation Database (HGMD: prior to June 1st, 2018), and was therefore a candidate for classification through an automated scoring system. Utilizing variant allele frequency, disease prevalence and penetrance estimates, and inheritance mode, an automated score was calculated to assess if this variant is too frequent to cause the disease. Based on the score and internal cut-off values, a variant classified as benign is not then subjected to further curation. The score for this variant resulted in a classification of benign for this disease.

Illumina Laboratory Services, Illumina
Classification: Likely benign for Jervell and Lange-Nielsen syndrome 1. Last evaluated: 2018-01-13. Review status: criteria provided, single submitter. Criteria: ICSL Variant Classification Criteria 13 December 2019. Collection method: clinical testing. Allele origin: germline.
Comment: the same text as in the submission from Illumina Laboratory Services, Illumina above.

Illumina Laboratory Services, Illumina
Classification: Likely benign for Atrial fibrillation, familial, 3. Last evaluated: 2018-01-13. Review status: criteria provided, single submitter. Criteria: ICSL Variant Classification Criteria 13 December 2019. Collection method: clinical testing. Allele origin: germline.
Comment: the same text as in the submission from Illumina Laboratory Services, Illumina above.

Breakthrough Genomics
Classification: Likely benign. Review status: criteria provided, single submitter. Criteria: ACMG Guidelines, 2015. Collection method: not provided. Allele origin: germline. Inheritance: Autosomal recessive inheritance. Affected: yes.